The following is an entry in ClinVar:

ClinVar aggregate classification (germline): Uncertain significance (1 of 4 stars; one submission).

Conditions:
Walker-Warburg congenital muscular dystrophy. Also called: Muscular dystrophy-dystroglycanopathy, type A; Walker-Warburg syndrome. Identifiers: Orphanet 899, MedGen C0265221, MONDO:0000171.

Submission:

Labcorp Genetics (formerly Invitae), Labcorp
Classification: Uncertain significance for Walker-Warburg congenital muscular dystrophy. Last evaluated: 2021-12-31. Review status: criteria provided, single submitter. Criteria: Invitae Variant Classification Sherloc (09022015). Collection method: clinical testing. Allele origin: germline.
Comment: This variant has not been reported in the literature in individuals affected with FKTN-related conditions. In summary, the available evidence is currently insufficient to determine the role of this variant in disease. Therefore, it has been classified as a Variant of Uncertain Significance. Algorithms developed to predict the effect of missense changes on protein structure and function (SIFT, PolyPhen-2, Align-GVGD) all suggest that this variant is likely to be tolerated. This variant is not present in population databases (gnomAD no frequency). This sequence change replaces alanine, which is neutral and non-polar, with serine, which is neutral and polar, at codon 57 of the FKTN protein (p.Ala57Ser).

NM_001079802.2(FKTN):c.169G>T (p.Ala57Ser)

Gene: FKTN (fukutin; plus strand). Cytogenetic location: 9q31.2.
Variant type: single nucleotide variant.
Coding change: c.169G>T on transcript NM_001079802.2 (MANE Select); coding-DNA position 169, G replaced by T.
Protein change: p.Ala57Ser; replaces alanine 57 with serine.
Molecular consequence: missense variant. On other transcripts: 5 prime UTR variant (4), non-coding transcript variant (2).
Genome position (GRCh38, 1-based): chr9:105,601,148, G>T. VCF-style: chr9-105601148-G-T. GRCh37 (hg19) VCF-style: chr9-108363429-G-T.
Other names: c.169G>T, p.Ala57Ser (NM_001198963.2, NM_001351496.2, NM_001351498.2 and 1 more transcripts); c.100G>T, p.Ala34Ser (NM_001351497.2); c.-346G>T (NM_001351499.2, NM_001351500.2, NM_001351501.2 and 1 more transcripts); short protein forms A34S, A57S.
Identifiers: ClinVar variation 2068027 (VCV002068027.4), dbSNP rs1827806139, ClinGen allele CA374331393.